The following is an entry in ClinVar:

NM_002109.6(HARS1):c.1195G>T (p.Ala399Ser)

Gene: HARS1 (histidyl-tRNA synthetase 1; minus strand). Cytogenetic location: 5q31.3.
Variant type: single nucleotide variant.
Coding change: c.1195G>T on transcript NM_002109.6 (MANE Select); coding-DNA position 1195, G replaced by T.
Protein change: p.Ala399Ser; replaces alanine 399 with serine.
Molecular consequence: missense variant.
Genome position (GRCh38, 1-based): chr5:140,675,133, C>A on the plus strand (G>T on the coding strand, the complement: HARS1 is on the minus strand). VCF-style: chr5-140675133-C-A. GRCh37 (hg19) VCF-style: chr5-140054718-C-A.
Other names: c.973G>T, p.Ala325Ser (NM_001289092.2); c.853G>T, p.Ala285Ser (NM_001289093.2); c.1075G>T, p.Ala359Ser (NM_001258040.3); c.1135G>T, p.Ala379Ser (NM_001258041.3); c.1015G>T, p.Ala339Ser (NM_001258042.3); c.1108G>T, p.Ala370Ser (NM_001289094.2); c.1195G>T (NM_002109.3); short protein forms A370S, A285S, A379S, A325S, A339S, A359S, A399S.
Identifiers: ClinVar variation 2049418 (VCV002049418.5), dbSNP rs1562001863, ClinGen allele CA361248979.
Genomic context (GRCh38, chr5:140,675,133, plus strand): 5'-TCTTCTGTGCAGATGCCACAAGCACCTGTGTCTCCGTGGTCCGTATCTTCTCCTCCAAAG[C>A]CTGGGGAAGGGGCAGATAAAAGAGAGCTGGGCTAACACCTTCAAGGAGCAAACAAAGCAG-3'
Protein context (NP_002100.2, residues 389-409): IFSIVEQRLE[Ala399Ser]LEEKIRTTET

ClinVar aggregate classification (germline): Uncertain significance. Review status: criteria provided, multiple submitters, no conflicts (2 of 4 stars). 2 submissions from 2 submitters: Uncertain significance (2). Last evaluated 2025-11-19.

Conditions:
Usher syndrome type 3B. Also called: USHER SYNDROME, TYPE IIIB. Identifiers: MedGen C3281066, MONDO:0013788, OMIM 614504.

Allele frequency attached by ClinVar (database versions not stated): TOPMed 0.00001.
gnomAD v4.1: 1 of 1,585,532 alleles (0.000063%); no homozygotes.

Submissions (2):

Ambry Genetics
Classification: Uncertain significance. Last evaluated: 2025-11-19. Review status: criteria provided, single submitter. Criteria: Ambry Variant Classification Scheme 2023. Collection method: clinical testing. Allele origin: germline.

Labcorp Genetics (formerly Invitae), Labcorp
Classification: Uncertain significance for Usher syndrome type 3B. Last evaluated: 2022-08-22. Review status: criteria provided, single submitter. Criteria: Invitae Variant Classification Sherloc (09022015). Collection method: clinical testing. Allele origin: germline.
Comment: Algorithms developed to predict the effect of sequence changes on RNA splicing suggest that this variant may create or strengthen a splice site. This sequence change replaces alanine, which is neutral and non-polar, with serine, which is neutral and polar, at codon 399 of the HARS protein (p.Ala399Ser). This variant is not present in population databases (gnomAD no frequency). This variant has not been reported in the literature in individuals affected with HARS-related conditions. Algorithms developed to predict the effect of missense changes on protein structure and function (SIFT, PolyPhen-2, Align-GVGD) all suggest that this variant is likely to be tolerated. In summary, the available evidence is currently insufficient to determine the role of this variant in disease. Therefore, it has been classified as a Variant of Uncertain Significance.